The following is an entry in ClinVar:

NM_000903.3(NQO1):c.284C>T (p.Ala95Val)

Gene: NQO1 (NAD(P)H quinone dehydrogenase 1; minus strand). Cytogenetic location: 16q22.1.
Variant type: single nucleotide variant.
Coding change: c.284C>T on transcript NM_000903.3 (MANE Select); coding-DNA position 284, C replaced by T.
Protein change: p.Ala95Val; replaces alanine 95 with valine.
Molecular consequence: missense variant.
Genome position (GRCh38, 1-based): chr16:69,718,142, G>A on the plus strand (C>T on the coding strand, the complement: NQO1 is on the minus strand). VCF-style: chr16-69718142-G-A. GRCh37 (hg19) VCF-style: chr16-69752045-G-A.
Other names: c.284C>T, p.Ala95Val (NM_001025433.2, NM_001025434.2, NM_001286137.2); short protein forms A95V.
Identifiers: ClinVar variation 3232308 (VCV003232308.1), dbSNP rs2544332214, ClinGen allele CA396489787.

ClinVar aggregate classification (germline): Uncertain significance (1 of 4 stars; one submission).

Allele frequency attached by ClinVar (database versions not stated): gnomAD exomes below 0.00001.

Submission:

Ambry Genetics
Classification: Uncertain significance. Last evaluated: 2024-02-02. Review status: criteria provided, single submitter. Criteria: Ambry Variant Classification Scheme 2023. Collection method: clinical testing. Allele origin: germline.
Comment: The p.A95V variant (also known as c.284C>T), located in coding exon 3 of the NQO1 gene, results from a C to T substitution at nucleotide position 284. The alanine at codon 95 is replaced by valine, an amino acid with similar properties. This amino acid position is conserved. In addition, this alteration is predicted to be deleterious by in silico analysis. Based on the available evidence, the clinical significance of this alteration remains unclear.